The following is an entry in ClinVar:

NM_006258.4(PRKG1):c.478+4C>T

Gene: PRKG1 (protein kinase cGMP-dependent 1; plus strand). Cytogenetic location: 10q21.1.
Variant type: single nucleotide variant.
Coding change: c.478+4C>T on transcript NM_006258.4 (MANE Select); 4 bases into the intron after coding-DNA position 478, C replaced by T.
Molecular consequence: intron variant.
Genome position (GRCh38, 1-based): chr10:51,153,334, C>T. VCF-style: chr10-51153334-C-T. GRCh37 (hg19) VCF-style: chr10-52913094-C-T.
Other names: c.433+4C>T (NM_001098512.3); c.478+4C>T (NM_001374782.1).
Identifiers: ClinVar variation 968719 (VCV000968719.10), dbSNP rs753168304, ClinGen allele CA5503133.

ClinVar aggregate classification (germline): Uncertain significance. Review status: criteria provided, multiple submitters, no conflicts (2 of 4 stars). 2 submissions from 2 submitters: Uncertain significance (2). Last evaluated 2025-09-05.

Conditions:
Aortic aneurysm, familial thoracic 8 (AAT8). Identifiers: MedGen C3809513, MONDO:0014187, OMIM 615436.
Familial thoracic aortic aneurysm and aortic dissection (TAAD). Also called: Thoracic aortic aneurysms and dissections. Identifiers: Orphanet 91387, MedGen C4707243, MONDO:0019625.

Allele frequency attached by ClinVar (database versions not stated): gnomAD exomes 0.00001; TOPMed 0.00001; ExAC 0.00002; gnomAD 0.00002.
gnomAD v4.1: 22 of 1,591,352 alleles (0.0014%); highest among the groups gnomAD compares: Admixed American, 0.0034%; no homozygotes.

Submissions (2):

Ambry Genetics
Classification: Uncertain significance for Familial thoracic aortic aneurysm and aortic dissection. Last evaluated: 2025-09-05. Review status: criteria provided, single submitter. Criteria: Ambry Variant Classification Scheme 2023. Collection method: clinical testing. Allele origin: germline.
Comment: The c.478+4C>T intronic variant results from a C to T substitution 4 nucleotides after coding exon 2 in the PRKG1 gene. This nucleotide position is poorly conserved in available vertebrate species. In silico splice site analysis predicts that this alteration will not have any significant effect on splicing. Since supporting evidence is limited at this time, the clinical significance of this alteration remains unclear.

Labcorp Genetics (formerly Invitae), Labcorp
Classification: Uncertain significance for Aortic aneurysm, familial thoracic 8. Last evaluated: 2024-05-01. Review status: criteria provided, single submitter. Criteria: Invitae Variant Classification Sherloc (09022015). Collection method: clinical testing. Allele origin: germline.
Comment: This sequence change falls in intron 2 of the PRKG1 gene. It does not directly change the encoded amino acid sequence of the PRKG1 protein. It affects a nucleotide within the consensus splice site. This variant is present in population databases (rs753168304, gnomAD 0.003%). This variant has not been reported in the literature in individuals affected with PRKG1-related conditions. ClinVar contains an entry for this variant (Variation ID: 968719). Variants that disrupt the consensus splice site are a relatively common cause of aberrant splicing (PMID: 17576681, 9536098). Algorithms developed to predict the effect of sequence changes on RNA splicing suggest that this variant is not likely to affect RNA splicing. In summary, the available evidence is currently insufficient to determine the role of this variant in disease. Therefore, it has been classified as a Variant of Uncertain Significance.

Literature cited by the submitters: PubMed 17576681 (cited by Labcorp Genetics (formerly Invitae), Labcorp); PubMed 9536098 (cited by Labcorp Genetics (formerly Invitae), Labcorp).